The following is an entry in ClinVar:

ClinVar aggregate classification (germline): Uncertain significance. Review status: criteria provided, multiple submitters, no conflicts (2 of 4 stars). 5 submissions from 5 submitters: Uncertain significance (5). Last evaluated 2025-11-24.

Conditions:
Visceral myopathy 2. Identifiers: MedGen C5543466, MONDO:0859157, OMIM 619350.
Megacystis-microcolon-intestinal hypoperistalsis syndrome 2. Identifiers: MedGen C5543476, MONDO:0025708, OMIM 619351.
Aortic aneurysm, familial thoracic 4 (AAT4). Also called: AORTIC ANEURYSM/AORTIC DISSECTION AND PATENT DUCTUS ARTERIOSUS. Identifiers: MedGen C1851504, MONDO:0007568, OMIM 132900.
Familial thoracic aortic aneurysm and aortic dissection (TAAD). Also called: Thoracic aortic aneurysms and dissections. Identifiers: Orphanet 91387, MedGen C4707243, MONDO:0019625.

Allele frequency attached by ClinVar (database versions not stated): TOPMed below 0.00001; gnomAD 0.00001; gnomAD exomes 0.00001; ExAC 0.00002.
gnomAD v4.1: 14 of 1,609,016 alleles (0.00087%); highest among the groups gnomAD compares: South Asian, 0.0022%; no homozygotes.

Submissions (5):

Color Diagnostics, LLC DBA Color Health
Classification: Uncertain significance for Familial thoracic aortic aneurysm and aortic dissection. Last evaluated: 2025-11-24. Review status: criteria provided, single submitter. Criteria: ACMG Guidelines, 2015. Collection method: clinical testing. Allele origin: germline.
Comment: This missense variant replaces arginine with cysteine at codon 1767 of the MYH11 protein. Computational prediction suggests that this variant may have deleterious impact on protein structure and function. To our knowledge, functional studies have not been reported for this variant. This variant has not been reported in individuals affected with MYH11-related disorders in the literature. This variant has been identified in 2/247758 chromosomes in the general population by the Genome Aggregation Database (gnomAD). The available evidence is insufficient to determine the role of this variant in disease conclusively. Therefore, this variant is classified as a Variant of Uncertain Significance.

Labcorp Genetics (formerly Invitae), Labcorp
Classification: Uncertain significance for Aortic aneurysm, familial thoracic 4. Last evaluated: 2025-11-17. Review status: criteria provided, single submitter. Criteria: Invitae Variant Classification Sherloc (09022015). Collection method: clinical testing. Allele origin: germline.
Comment: This sequence change replaces arginine, which is basic and polar, with cysteine, which is neutral and slightly polar, at codon 1767 of the MYH11 protein (p.Arg1767Cys). This variant is present in population databases (rs764794087, gnomAD 0.003%). This variant has not been reported in the literature in individuals affected with MYH11-related conditions. ClinVar contains an entry for this variant (Variation ID: 1374641). Invitae Evidence Modeling of protein sequence and biophysical properties (such as structural, functional, and spatial information, amino acid conservation, physicochemical variation, residue mobility, and thermodynamic stability) has been performed for this missense variant. However, the output from this modeling did not meet the statistical confidence thresholds required to predict the impact of this variant on MYH11 protein function. In summary, the available evidence is currently insufficient to determine the role of this variant in disease. Therefore, it has been classified as a Variant of Uncertain Significance.

GeneDx
Classification: Uncertain significance. Last evaluated: 2025-04-28. Review status: criteria provided, single submitter. Criteria: GeneDx Variant Classification Process June 2021. Collection method: clinical testing. Allele origin: germline. Affected: yes.
Comment: Not observed at significant frequency in large population cohorts (gnomAD); In silico analysis supports that this missense variant has a deleterious effect on protein structure/function; Has not been previously published as pathogenic or benign to our knowledge

Fulgent Genetics
Classification: Uncertain significance for Aortic aneurysm, familial thoracic 4; Visceral myopathy 2; Megacystis-microcolon-intestinal hypoperistalsis syndrome 2. Last evaluated: 2021-11-03. Review status: criteria provided, single submitter. Criteria: ACMG Guidelines, 2015. Collection method: clinical testing. Allele origin: unknown.

Baylor Genetics
Classification: Uncertain significance for Aortic aneurysm, familial thoracic 4. Last evaluated: 2021-02-25. Review status: criteria provided, single submitter. Criteria: ACMG Guidelines, 2015. Collection method: clinical testing. Allele origin: unknown.

NM_002474.3(MYH11):c.5278C>T (p.Arg1760Cys)

Genes: NDE1 (nudE neurodevelopment protein 1; plus strand), MYH11 (myosin heavy chain 11; minus strand). Cytogenetic location: 16p13.11.
Variant type: single nucleotide variant.
Coding change: c.5278C>T on transcript NM_002474.3 (MANE Select); coding-DNA position 5278, C replaced by T.
Protein change: p.Arg1760Cys; replaces arginine 1760 with cysteine.
Molecular consequence: missense variant. On other transcripts: intron variant (2).
Genome position (GRCh38, 1-based): chr16:15,718,332, G>A on the plus strand (C>T on the coding strand, the complement: MYH11 is on the minus strand). VCF-style: chr16-15718332-G-A. GRCh37 (hg19) VCF-style: chr16-15812189-G-A.
Other names: c.5299C>T, p.Arg1767Cys (NM_001040113.2, NM_001040114.2); c.5278C>T, p.Arg1760Cys (NM_022844.3); c.948-5859G>A (NM_001143979.2, NM_017668.3); short protein forms R1760C, R1767C.
Identifiers: ClinVar variation 1374641 (VCV001374641.7), dbSNP rs764794087, ClinGen allele CA7921347.